The following is an entry in ClinVar:

ClinVar aggregate classification (germline): Uncertain significance (1 of 4 stars; one submission).

Conditions:
Hereditary cancer-predisposing syndrome. Also called: Neoplastic Syndromes, Hereditary; Hereditary Cancer Syndrome; Hereditary neoplastic syndrome; Tumor predisposition. Identifiers: Orphanet 140162, MedGen C0027672, MeSH D009386, MONDO:0015356.

Submission:

Ambry Genetics
Classification: Uncertain significance for Hereditary cancer-predisposing syndrome. Last evaluated: 2023-05-30. Review status: criteria provided, single submitter. Criteria: Ambry Variant Classification Scheme 2023. Collection method: clinical testing. Allele origin: germline.
Comment: The p.A366P variant (also known as c.1096G>C), located in coding exon 8 of the POLD1 gene, results from a G to C substitution at nucleotide position 1096. The alanine at codon 366 is replaced by proline, an amino acid with highly similar properties. This amino acid position is conserved. In addition, this alteration is predicted to be tolerated by in silico analysis. Since supporting evidence is limited at this time, the clinical significance of this alteration remains unclear.

NM_002691.4(POLD1):c.1096G>C (p.Ala366Pro)

Gene: POLD1 (DNA polymerase delta 1, catalytic subunit; plus strand). Cytogenetic location: 19q13.33.
Variant type: single nucleotide variant.
Coding change: c.1096G>C on transcript NM_002691.4 (MANE Select); coding-DNA position 1096, G replaced by C.
Protein change: p.Ala366Pro; replaces alanine 366 with proline.
Molecular consequence: missense variant. On other transcripts: non-coding transcript variant (1).
Genome position (GRCh38, 1-based): chr19:50,403,178, G>C. VCF-style: chr19-50403178-G-C. GRCh37 (hg19) VCF-style: chr19-50906435-G-C.
Other names: c.1096G>C, p.Ala366Pro (NM_001256849.1, NM_001308632.1); short protein forms A366P.
Identifiers: ClinVar variation 2563181 (VCV002563181.2), dbSNP rs1034501260, ClinGen allele CA309601313.
Genomic context (GRCh38, chr19:50,403,178, plus strand): 5'-GAGCCGGAGCCCTTCCTACGCCTGGCGCTCACCCTGCGGCCCTGTGCCCCCATCCTGGGT[G>C]CCAAGGTGCAGAGCTACGAGAAGGAGGAGGACCTGCTGCAGGTAGCTCTCGCTCCACGCC-3'
Protein context (NP_002682.2, residues 356-376): TLRPCAPILG[Ala366Pro]KVQSYEKEED